The following is an entry in ClinVar:

ClinVar aggregate classification (germline): Pathogenic (1 of 4 stars; one submission).

Conditions:
Familial cancer of breast. Also called: Hereditary breast cancer; BREAST CANCER, FAMILIAL; hereditary breast carcinoma. Identifiers: Orphanet 227535, MedGen C0346153, MONDO:0016419, OMIM 114480. Disease mechanism: loss of function.

Submission:

Myriad Genetics, Inc.
Classification: Pathogenic for Familial cancer of breast. Last evaluated: 2023-05-31. Review status: criteria provided, single submitter. Criteria: Myriad Autosomal Dominant, Autosomal Recessive and X-Linked Classification Criteria (2023). Collection method: clinical testing. Allele origin: unknown.
Comment: This variant is considered pathogenic. This variant creates a termination codon and is predicted to result in premature protein truncation.

NM_032043.3(BRIP1):c.598G>T (p.Glu200Ter)

Gene: BRIP1 (BRCA1 interacting DNA helicase 1; minus strand). Cytogenetic location: 17q23.2.
Variant type: single nucleotide variant.
Coding change: c.598G>T on transcript NM_032043.3 (MANE Select); coding-DNA position 598, G replaced by T.
Protein change: p.Glu200Ter; replaces glutamic acid 200 with a stop codon.
Molecular consequence: nonsense.
Genome position (GRCh38, 1-based): chr17:61,847,130, C>A on the plus strand (G>T on the coding strand, the complement: BRIP1 is on the minus strand). VCF-style: chr17-61847130-C-A. GRCh37 (hg19) VCF-style: chr17-59924491-C-A.
Other names: short protein forms E200*.
Identifiers: ClinVar variation 2583503 (VCV002583503.2), dbSNP rs2078746295, ClinGen allele CA400482918.
Genomic context (GRCh38, chr17:61,847,130, plus strand): 5'-TTTAAAACTGAACAATGGCATTAATACATACTTTCTGTGGCGAAAAGGAGTTTATCTTTT[C>A]CAGTGGAGAGTTGAGTTTTACAGTCTTTCCTGAATCAACTTTTGCATCCAAATTGTGTAC-3'